The following is an entry in ClinVar:

NM_005633.4(SOS1):c.2662C>A (p.His888Asn)

Gene: SOS1 (SOS Ras/Rac guanine nucleotide exchange factor 1; minus strand). Cytogenetic location: 2p22.1.
Variant type: single nucleotide variant.
Coding change: c.2662C>A on transcript NM_005633.4 (MANE Select); coding-DNA position 2662, C replaced by A.
Protein change: p.His888Asn; replaces histidine 888 with asparagine.
Molecular consequence: missense variant.
Genome position (GRCh38, 1-based): chr2:39,007,042, G>T on the plus strand (C>A on the coding strand, the complement: SOS1 is on the minus strand). VCF-style: chr2-39007042-G-T. GRCh37 (hg19) VCF-style: chr2-39234183-G-T.
Other names: c.2641C>A, p.His881Asn (NM_001382394.1); c.2662C>A, p.His888Asn (NM_001382395.1); short protein forms H881N, H888N.
Identifiers: ClinVar variation 3959840 (VCV003959840.1).
Genomic context (GRCh38, chr2:39,007,042, plus strand): 5'-TTCTAATAGGGAATGAAAGTTCATTTTAAAAACACATGTAGAAACCTACCTCAAATGTGT[G>T]GTCTAGTCTGTAAACAGGTGATGAATTCATAGCACTGACAACCTCAAGGACACCATTAAA-3'
Protein context (NP_005624.2, residues 878-898): MNSSPVYRLD[His888Asn]TFEQIPSRQK

ClinVar aggregate classification (germline): Uncertain significance (1 of 4 stars; one submission).

Conditions:
Cardiovascular phenotype. Identifiers: MedGen CN230736.

Submission:

Ambry Genetics
Classification: Uncertain significance for Cardiovascular phenotype. Last evaluated: 2025-04-24. Review status: criteria provided, single submitter. Criteria: Ambry Variant Classification Scheme 2023. Collection method: clinical testing. Allele origin: germline.
Comment: The p.H888N variant (also known as c.2662C>A), located in coding exon 16 of the SOS1 gene, results from a C to A substitution at nucleotide position 2662. The histidine at codon 888 is replaced by asparagine, an amino acid with similar properties. This amino acid position is conserved. In addition, this alteration is predicted to be tolerated by in silico analysis. Based on the available evidence, the clinical significance of this variant remains unclear.